The following is an entry in ClinVar:

NM_058172.6(ANTXR2):c.324T>C (p.Asp108=)

Gene: ANTXR2 (ANTXR cell adhesion molecule 2; minus strand). Cytogenetic location: 4q21.21.
Variant type: single nucleotide variant.
Coding change: c.324T>C on transcript NM_058172.6 (MANE Select); coding-DNA position 324, T replaced by C.
Protein change: p.Asp108=; no amino-acid change (aspartic acid 108 retained).
Molecular consequence: synonymous variant.
Genome position (GRCh38, 1-based): chr4:80,055,986, A>G on the plus strand (T>C on the coding strand, the complement: ANTXR2 is on the minus strand). VCF-style: chr4-80055986-A-G. GRCh37 (hg19) VCF-style: chr4-80977140-A-G.
Other names: c.324T>C, p.Asp108= (NM_001145794.2); c.93T>C, p.Asp31= (NM_001286780.2, NM_001286781.2).
Identifiers: ClinVar variation 349884 (VCV000349884.9), dbSNP rs184413338, ClinGen allele CA2981983.

ClinVar aggregate classification (germline): Benign/Likely benign. Review status: criteria provided, multiple submitters, no conflicts (2 of 4 stars). 2 submissions from 2 submitters: Benign (1); Likely benign (1). Last evaluated 2026-01-13.

Conditions:
Hyaline fibromatosis syndrome (HFS). Also called: Hyalinosis, Inherited Systemic; HYALINOSIS, SYSTEMIC. Identifiers: Orphanet 2028, Orphanet 498474, MedGen C5574677, MONDO:0009229, OMIM 228600.

Allele frequency attached by ClinVar (database versions not stated): gnomAD exomes 0.00011 and 0.00029; ExAC 0.00089; gnomAD 0.00126 and 0.00131; 1000 Genomes Project 0.00140; TOPMed 0.00148; ESP Exome Variant Server 0.00162; 1000 Genomes Project 30x 0.00187.
gnomAD v4.1: 367 of 1,570,360 alleles (0.023%); highest among the groups gnomAD compares: African/African-American, 0.42%; 2 homozygotes.

Submissions (2):

Labcorp Genetics (formerly Invitae), Labcorp
Classification: Benign. Last evaluated: 2026-01-13. Review status: criteria provided, single submitter. Criteria: Invitae Variant Classification Sherloc (09022015). Collection method: clinical testing. Allele origin: germline.

Illumina Laboratory Services, Illumina
Classification: Likely benign for Hyaline fibromatosis syndrome. Last evaluated: 2018-01-12. Review status: criteria provided, single submitter. Criteria: ICSL Variant Classification Criteria 13 December 2019. Collection method: clinical testing. Allele origin: germline.
Comment: This variant was observed in the ICSL laboratory as part of a predisposition screen in an ostensibly healthy population. It had not been previously curated by ICSL or reported in the Human Gene Mutation Database (HGMD: prior to June 1st, 2018), and was therefore a candidate for classification through an automated scoring system. Utilizing variant allele frequency, disease prevalence and penetrance estimates, and inheritance mode, an automated score was calculated to assess if this variant is too frequent to cause the disease. Based on the score and internal cut-off values, a variant classified as likely benign is not then subjected to further curation. The score for this variant resulted in a classification of likely benign for this disease.